The following is an entry in ClinVar:

NC_000004.12:g.1394949C>T

Genes: CRIPAK (cysteine rich PAK1 inhibitor; plus strand), UVSSA (UV stimulated scaffold protein A; plus strand), LOC126806945 (P300/CBP strongly-dependent group 1 enhancer GRCh37_chr4:1388225-1389424; plus strand). Cytogenetic location: 4p16.3.
Variant type: single nucleotide variant.
Genome position: GRCh38 VCF-style: chr4-1394949-C-T. GRCh37 (hg19) VCF-style: chr4-1388737-C-T.
Identifiers: ClinVar variation 4084431 (VCV004084431.8).
Genomic context (GRCh38, chr4:1,394,949, plus strand): 5'-CCTGCTCACACGTGCCCATGCGGAGTGCCCGCCTGCTCACACGTGCCCATGCGGAGTGCC[C>T]GCCTGCTCACACGTGCCCATGCGGAGTGCCCGCCTGCTCACACGTGCCGACGTGGAGTGC-3'

ClinVar aggregate classification (germline): Likely benign (1 of 4 stars; one submission).

Submission:

CeGaT Center for Human Genetics Tuebingen
Classification: Likely benign. Last evaluated: 2025-07-01. Review status: criteria provided, single submitter. Criteria: CeGaT Center For Human Genetics Tuebingen Variant Classification Criteria Version 2. Collection method: clinical testing. Allele origin: germline. Affected: yes. Observed: 1 variant allele.
Comment: CRIPAK: BP4, BP7